The following is an entry in ClinVar:

ClinVar aggregate classification (germline): Uncertain significance (1 of 4 stars; one submission).

Conditions:
3-Oxo-5 alpha-steroid delta 4-dehydrogenase deficiency (PPSH). Also called: MALE PSEUDOHERMAPHRODITISM DUE TO 5-ALPHA-REDUCTASE DEFICIENCY; 46,XY disorder of sex development due to 5-alpha-reductase 2 deficiency; PSEUDOVAGINAL PERINEOSCROTAL HYPOSPADIAS; FAMILIAL INCOMPLETE MALE PSEUDOHERMAPHRODITISM, TYPE 2. Identifiers: Orphanet 753, MedGen C0268297, MONDO:0009923, OMIM 264600. Disease mechanism: loss of function.

Allele frequency attached by ClinVar (database versions not stated): gnomAD 0.00003; TOPMed 0.00004.
gnomAD v4.1: 9 of 1,610,266 alleles (0.00056%); highest among the groups gnomAD compares: African/African-American, 0.008%; no homozygotes.

Submission:

Labcorp Genetics (formerly Invitae), Labcorp
Classification: Uncertain significance for 3-Oxo-5 alpha-steroid delta 4-dehydrogenase deficiency. Last evaluated: 2018-03-08. Review status: criteria provided, single submitter. Criteria: Invitae Variant Classification Sherloc (09022015). Collection method: clinical testing. Allele origin: germline.
Comment: This sequence change replaces proline with leucine at codon 48 of the SRD5A2 protein (p.Pro48Leu). The proline residue is highly conserved and there is a moderate physicochemical difference between proline and leucine. This variant is present in population databases (rs61748122, ExAC 0.01%). This variant has not been reported in the literature in individuals with SRD5A2-related disease. Algorithms developed to predict the effect of missense changes on protein structure and function (SIFT, PolyPhen-2, Align-GVGD) all suggest that this variant is likely to be disruptive, but these predictions have not been confirmed by published functional studies and their clinical significance is uncertain. In summary, the available evidence is currently insufficient to determine the role of this variant in disease. Therefore, it has been classified as a Variant of Uncertain Significance.

NM_000348.4(SRD5A2):c.143C>T (p.Pro48Leu)

Gene: SRD5A2 (steroid 5 alpha-reductase 2; minus strand). Cytogenetic location: 2p23.1.
Variant type: single nucleotide variant.
Coding change: c.143C>T on transcript NM_000348.4 (MANE Select); coding-DNA position 143, C replaced by T.
Protein change: p.Pro48Leu; replaces proline 48 with leucine.
Molecular consequence: missense variant.
Genome position (GRCh38, 1-based): chr2:31,580,758, G>A on the plus strand (C>T on the coding strand, the complement: SRD5A2 is on the minus strand). VCF-style: chr2-31580758-G-A. GRCh37 (hg19) VCF-style: chr2-31805828-G-A.
Other names: short protein forms P48L.
Identifiers: ClinVar variation 573458 (VCV000573458.7), dbSNP rs61748122, ClinGen allele CA1600024.